The following is an entry in ClinVar:

NM_000111.3(SLC26A3):c.1828A>G (p.Asn610Asp)

Gene: SLC26A3 (solute carrier family 26 member 3; minus strand). Cytogenetic location: 7q22.3.
Variant type: single nucleotide variant.
Coding change: c.1828A>G on transcript NM_000111.3 (MANE Select); coding-DNA position 1828, A replaced by G.
Protein change: p.Asn610Asp; replaces asparagine 610 with aspartic acid.
Molecular consequence: missense variant.
Genome position (GRCh38, 1-based): chr7:107,774,099, T>C on the plus strand (A>G on the coding strand, the complement: SLC26A3 is on the minus strand). VCF-style: chr7-107774099-T-C. GRCh37 (hg19) VCF-style: chr7-107414544-T-C.
Other names: short protein forms N610D.
Identifiers: ClinVar variation 1464445 (VCV001464445.5), dbSNP rs756998584, ClinGen allele CA4433676.

ClinVar aggregate classification (germline): Uncertain significance (1 of 4 stars; one submission).

Allele frequency attached by ClinVar (database versions not stated): gnomAD 0.00001; TOPMed 0.00002; ExAC 0.00003; gnomAD exomes 0.00003.
gnomAD v4.1: 42 of 1,614,094 alleles (0.0026%); highest among the groups gnomAD compares: Non-Finnish European, 0.0033%; no homozygotes.

Submission:

Labcorp Genetics (formerly Invitae), Labcorp
Classification: Uncertain significance. Last evaluated: 2021-08-31. Review status: criteria provided, single submitter. Criteria: Invitae Variant Classification Sherloc (09022015). Collection method: clinical testing. Allele origin: germline.
Comment: This sequence change replaces asparagine with aspartic acid at codon 610 of the SLC26A3 protein (p.Asn610Asp). The asparagine residue is moderately conserved and there is a small physicochemical difference between asparagine and aspartic acid. This variant is present in population databases (rs756998584, ExAC 0.006%). This variant has not been reported in the literature in individuals affected with SLC26A3-related conditions. Advanced modeling of protein sequence and biophysical properties (such as structural, functional, and spatial information, amino acid conservation, physicochemical variation, residue mobility, and thermodynamic stability) performed at Invitae indicates that this missense variant is not expected to disrupt SLC26A3 protein function. In summary, the available evidence is currently insufficient to determine the role of this variant in disease. Therefore, it has been classified as a Variant of Uncertain Significance.